The following is an entry in ClinVar:

NM_000324.3(RHAG):c.611C>T (p.Ala204Val)

Gene: RHAG (Rh associated glycoprotein; minus strand). Cytogenetic location: 6p12.3.
Variant type: single nucleotide variant.
Coding change: c.611C>T on transcript NM_000324.3 (MANE Select); coding-DNA position 611, C replaced by T.
Protein change: p.Ala204Val; replaces alanine 204 with valine.
Molecular consequence: missense variant.
Genome position (GRCh38, 1-based): chr6:49,615,653, G>A on the plus strand (C>T on the coding strand, the complement: RHAG is on the minus strand). VCF-style: chr6-49615653-G-A. GRCh37 (hg19) VCF-style: chr6-49583366-G-A.
Other names: short protein forms A204V.
Identifiers: ClinVar variation 2307735 (VCV002307735.5), dbSNP rs906490703, ClinGen allele CA138846108.

ClinVar aggregate classification (germline): Conflicting classifications of pathogenicity. Review status: criteria provided, conflicting classifications (1 of 4 stars). 2 submissions from 2 submitters: Uncertain significance (1); Likely benign (1). Last evaluated 2025-01-23.

Allele frequency attached by ClinVar (database versions not stated): gnomAD 0.00001; TOPMed 0.00001; gnomAD exomes 0.00002.
gnomAD v4.1: 13 of 1,614,006 alleles (0.00081%); highest among the groups gnomAD compares: Non-Finnish European, 0.0011%; no homozygotes.

Submissions (2):

Labcorp Genetics (formerly Invitae), Labcorp
Classification: Uncertain significance. Last evaluated: 2025-01-23. Review status: criteria provided, single submitter. Criteria: Invitae Variant Classification Sherloc (09022015). Collection method: clinical testing. Allele origin: germline.
Comment: This sequence change replaces alanine, which is neutral and non-polar, with valine, which is neutral and non-polar, at codon 204 of the RHAG protein (p.Ala204Val). This variant is present in population databases (no rsID available, gnomAD 0.004%). This variant has not been reported in the literature in individuals affected with RHAG-related conditions. ClinVar contains an entry for this variant (Variation ID: 2307735). Invitae Evidence Modeling of protein sequence and biophysical properties (such as structural, functional, and spatial information, amino acid conservation, physicochemical variation, residue mobility, and thermodynamic stability) indicates that this missense variant is not expected to disrupt RHAG protein function with a negative predictive value of 80%. In summary, the available evidence is currently insufficient to determine the role of this variant in disease. Therefore, it has been classified as a Variant of Uncertain Significance.

Ambry Genetics
Classification: Likely benign. Last evaluated: 2022-08-17. Review status: criteria provided, single submitter. Criteria: Ambry Variant Classification Scheme 2023. Collection method: clinical testing. Allele origin: germline.